The following is an entry in ClinVar:

ClinVar aggregate classification (germline): Uncertain significance (1 of 4 stars; one submission).

Submission:

Labcorp Genetics (formerly Invitae), Labcorp
Classification: Uncertain significance. Last evaluated: 2022-09-01. Review status: criteria provided, single submitter. Criteria: Invitae Variant Classification Sherloc (09022015). Collection method: clinical testing. Allele origin: germline.
Comment: This variant has not been reported in the literature in individuals affected with KPNA7-related conditions. This variant is not present in population databases (gnomAD no frequency). This sequence change replaces lysine, which is basic and polar, with glutamine, which is neutral and polar, at codon 516 of the KPNA7 protein (p.Lys516Gln). ClinVar contains an entry for this variant (Variation ID: 1513450). In summary, the available evidence is currently insufficient to determine the role of this variant in disease. Therefore, it has been classified as a Variant of Uncertain Significance. Algorithms developed to predict the effect of missense changes on protein structure and function output the following: SIFT: "Tolerated"; PolyPhen-2: "Benign"; Align-GVGD: "Class C0". The glutamine amino acid residue is found in multiple mammalian species, which suggests that this missense change does not adversely affect protein function.

NM_001145715.3(KPNA7):c.1546A>C (p.Lys516Gln)

Gene: KPNA7 (karyopherin subunit alpha 7; minus strand). Cytogenetic location: 7q22.1.
Variant type: single nucleotide variant.
Coding change: c.1546A>C on transcript NM_001145715.3 (MANE Select); coding-DNA position 1546, A replaced by C.
Protein change: p.Lys516Gln; replaces lysine 516 with glutamine.
Molecular consequence: missense variant.
Genome position (GRCh38, 1-based): chr7:99,173,713, T>G on the plus strand (A>C on the coding strand, the complement: KPNA7 is on the minus strand). VCF-style: chr7-99173713-T-G. GRCh37 (hg19) VCF-style: chr7-98771336-T-G.
Other names: short protein forms K516Q.
Identifiers: ClinVar variation 1513450 (VCV001513450.8), dbSNP rs2150692395, ClinGen allele CA368416782.